The following is an entry in ClinVar:

ClinVar aggregate classification (germline): Uncertain significance (1 of 4 stars; one submission).

gnomAD v4.1: 84 of 1,605,238 alleles (0.0052%); highest among the groups gnomAD compares: Non-Finnish European, 0.0062%; no homozygotes.

Submission:

GeneDx
Classification: Uncertain significance. Last evaluated: 2024-08-12. Review status: criteria provided, single submitter. Criteria: GeneDx Variant Classification Process June 2021. Collection method: clinical testing. Allele origin: germline. Affected: yes.
Comment: Reported in a patient with angiomatoid fibrous histiocytoma in the scalp in the published literature who also had variants in multiple other genes that may have been responsible for the phenotype (PMID: 28281318); In silico analysis indicates that this missense variant does not alter protein structure/function; This variant is associated with the following publications: (PMID: 28281318)

NM_000125.4(ESR1):c.227C>G (p.Thr76Ser)

Gene: ESR1 (estrogen receptor 1; plus strand). Cytogenetic location: 6q25.1.
Variant type: single nucleotide variant.
Coding change: c.227C>G on transcript NM_000125.4 (MANE Select); coding-DNA position 227, C replaced by G.
Protein change: p.Thr76Ser; replaces threonine 76 with serine.
Molecular consequence: missense variant.
Genome position (GRCh38, 1-based): chr6:151,808,139, C>G. VCF-style: chr6-151808139-C-G. GRCh37 (hg19) VCF-style: chr6-152129274-C-G.
Other names: c.227C>G, p.Thr76Ser (NM_001122740.2, NM_001122741.2, NM_001122742.2 and 7 more transcripts); short protein forms T76S.
Identifiers: ClinVar variation 3764239 (VCV003764239.1).
Genomic context (GRCh38, chr6:151,808,139, plus strand): 5'-AGGGCGCCGCCTACGAGTTCAACGCCGCGGCCGCCGCCAACGCGCAGGTCTACGGTCAGA[C>G]CGGCCTCCCCTACGGCCCCGGGTCTGAGGCTGCGGCGTTCGGCTCCAACGGCCTGGGGGG-3'
Protein context (NP_000116.2, residues 66-86): AAANAQVYGQ[Thr76Ser]GLPYGPGSEA